The following is an entry in ClinVar:

NM_001205293.3(CACNA1E):c.2594G>A (p.Ser865Asn)

Gene: CACNA1E (calcium voltage-gated channel subunit alpha1 E; plus strand). Cytogenetic location: 1q25.3.
Variant type: single nucleotide variant.
Coding change: c.2594G>A on transcript NM_001205293.3 (MANE Select); coding-DNA position 2594, G replaced by A.
Protein change: p.Ser865Asn; replaces serine 865 with asparagine.
Molecular consequence: missense variant.
Genome position (GRCh38, 1-based): chr1:181,732,680, G>A. VCF-style: chr1-181732680-G-A. GRCh37 (hg19) VCF-style: chr1-181701816-G-A.
Other names: c.2594G>A, p.Ser865Asn (NM_000721.4); c.2537G>A, p.Ser846Asn (NM_001205294.2); short protein forms S846N, S865N.
Identifiers: ClinVar variation 1307811 (VCV001307811.2), dbSNP rs2102551197, ClinGen allele CA343618005.

ClinVar aggregate classification (germline): Uncertain significance (1 of 4 stars; one submission).

Submission:

GeneDx
Classification: Uncertain significance. Last evaluated: 2019-08-21. Review status: criteria provided, single submitter. Criteria: GeneDx Variant Classification Process June 2021. Collection method: clinical testing. Allele origin: germline. Affected: yes.
Comment: Not observed in large population cohorts (Lek et al., 2016); In silico analysis, which includes protein predictors and evolutionary conservation, supports that this variant does not alter protein structure/function; Has not been previously published as pathogenic or benign to our knowledge